The following is an entry in ClinVar:

NM_000260.4(MYO7A):c.4474del (p.Ala1492fs)

Gene: MYO7A (myosin VIIA; plus strand). Cytogenetic location: 11q13.5.
Variant type: Deletion.
Coding change: c.4474del on transcript NM_000260.4 (MANE Select); coding-DNA position 4474, one base deleted (G; older notation c.4474delG).
Protein change: p.Ala1492fs; shifts the reading frame from alanine 1492.
Molecular consequence: frameshift variant.
Genome position (GRCh38, 1-based): chr11:77,198,527, G deleted; the last of 2 consecutive G bases (chr11:77,198,526-77,198,527); deleting either gives the same sequence. VCF-style (leftmost placement, unchanged base first): chr11-77198525-TG-T. GRCh37 (hg19) VCF-style: chr11-76909570-TG-T.
Other names: c.4474del, p.Ala1492fs (NM_001127180.2); c.4441del, p.Ala1481fs (NM_001369365.1); short protein forms A1481fs, A1492fs.
Identifiers: ClinVar variation 2865635 (VCV002865635.3), dbSNP rs2497566349, ClinGen allele CA2739270707.

ClinVar aggregate classification (germline): Pathogenic (1 of 4 stars; one submission).

Submission:

Labcorp Genetics (formerly Invitae), Labcorp
Classification: Pathogenic. Last evaluated: 2023-05-19. Review status: criteria provided, single submitter. Criteria: Invitae Variant Classification Sherloc (09022015). Collection method: clinical testing. Allele origin: germline.
Comment: For these reasons, this variant has been classified as Pathogenic. This variant is not present in population databases (gnomAD no frequency). This variant has not been reported in the literature in individuals affected with MYO7A-related conditions. This sequence change creates a premature translational stop signal (p.Ala1492Profs*57) in the MYO7A gene. It is expected to result in an absent or disrupted protein product. Loss-of-function variants in MYO7A are known to be pathogenic (PMID: 8900236, 25404053).

Literature cited by the submitters: PubMed 8900236; PubMed 25404053.